The following is an entry in ClinVar:

NM_000815.5(GABRD):c.923A>G (p.Lys308Arg)

Gene: GABRD (gamma-aminobutyric acid type A receptor subunit delta; plus strand). Cytogenetic location: 1p36.33.
Variant type: single nucleotide variant.
Coding change: c.923A>G on transcript NM_000815.5 (MANE Select); coding-DNA position 923, A replaced by G.
Protein change: p.Lys308Arg; replaces lysine 308 with arginine.
Molecular consequence: missense variant.
Genome position (GRCh38, 1-based): chr1:2,029,626, A>G. VCF-style: chr1-2029626-A-G. GRCh37 (hg19) VCF-style: chr1-1961065-A-G.
Other names: short protein forms K308R.
Identifiers: ClinVar variation 3912066 (VCV003912066.2).

ClinVar aggregate classification (germline): Conflicting classifications of pathogenicity. Review status: criteria provided, conflicting classifications (1 of 4 stars). 2 submissions from 2 submitters: Likely pathogenic (1); Uncertain significance (1). Last evaluated 2025-12-21.

Conditions:
Epilepsy, idiopathic generalized, susceptibility to, 10. Identifiers: MedGen C2751603, MONDO:0013103, OMIM 613060.

Submissions (2):

3billion
Classification: Uncertain significance for Epilepsy, idiopathic generalized, susceptibility to, 10. Last evaluated: 2025-12-21. Review status: criteria provided, single submitter. Criteria: ACMG Guidelines, 2015. Collection method: clinical testing. Allele origin: germline. Affected: yes.
Comment: The variant is not observed in the gnomAD v4.1.0 dataset. Predicted Consequence/Location: Missense variant. Missense changes are a common disease-causing mechanism. In silico tool predictions suggest damaging effect of the variant on gene or gene product [REVEL: 0.67 (>=0.6, sensitivity 0.68 and specificity 0.92)]. The same nucleotide change resulting in the same amino acid change has been previously reported to be associated with GABRD-related disorder (ClinVar ID: VCV003912066). However, the evidence of pathogenicity is insufficient at this time. Therefore, this variant is classified as VUS according to the recommendation of ACMG/AMP guideline.

Molecular Genetics Laboratory, Motol Hospital
Classification: Likely pathogenic for Epilepsy, idiopathic generalized, susceptibility to, 10. Last evaluated: 2025-06-23. Review status: criteria provided, single submitter. Criteria: ACMG Guidelines, 2015. Collection method: clinical testing. Allele origin: de novo. Affected: yes. Observed: 1 variant allele.
Comment: Not present in gnomAD (v4.1.0), dbSNP or ClinVar (PM2). Rare missense variants affecting the GABRD gene are aasociated with "susceptibility to generalized epilepsy with febrile seizures plus, type 5" (EIG10, MIM:613060; PMID:38458029;PMID:34633442).To conclude, the variant is classified as pathogenic (ACMG PM2, PS2, PP3).

Literature cited by the submitters: PubMed 38458029 (cited by Molecular Genetics Laboratory, Motol Hospital); PubMed 34633442 (cited by Molecular Genetics Laboratory, Motol Hospital).